The following is an entry in ClinVar:

ClinVar aggregate classification (germline): Uncertain significance (1 of 4 stars; one submission).

Conditions:
Long QT syndrome 10 (LQT10). Identifiers: Orphanet 101016, Orphanet 768, MedGen C2678484, MONDO:0012737, OMIM 611819.

gnomAD v4.1: 3 of 1,614,012 alleles (0.00019%); highest among the groups gnomAD compares: African/African-American, 0.004%; no homozygotes.

Submission:

Labcorp Genetics (formerly Invitae), Labcorp
Classification: Uncertain significance for Long QT syndrome 10. Last evaluated: 2024-06-29. Review status: criteria provided, single submitter. Criteria: Invitae Variant Classification Sherloc (09022015). Collection method: clinical testing. Allele origin: germline.
Comment: This sequence change replaces glycine, which is neutral and non-polar, with aspartic acid, which is acidic and polar, at codon 46 of the SCN4B protein (p.Gly46Asp). This variant is not present in population databases (gnomAD no frequency). This variant has not been reported in the literature in individuals affected with SCN4B-related conditions. An algorithm developed to predict the effect of missense changes on protein structure and function (PolyPhen-2) suggests that this variant is likely to be disruptive. In summary, the available evidence is currently insufficient to determine the role of this variant in disease. Therefore, it has been classified as a Variant of Uncertain Significance.

NM_174934.4(SCN4B):c.137G>A (p.Gly46Asp)

Gene: SCN4B (sodium voltage-gated channel beta subunit 4; minus strand). Cytogenetic location: 11q23.3.
Variant type: single nucleotide variant.
Coding change: c.137G>A on transcript NM_174934.4 (MANE Select); coding-DNA position 137, G replaced by A.
Protein change: p.Gly46Asp; replaces glycine 46 with aspartic acid.
Molecular consequence: missense variant. On other transcripts: 5 prime UTR variant (1), non-coding transcript variant (1), intron variant (1).
Genome position (GRCh38, 1-based): chr11:118,145,154, C>T on the plus strand (G>A on the coding strand, the complement: SCN4B is on the minus strand). VCF-style: chr11-118145154-C-T. GRCh37 (hg19) VCF-style: chr11-118015869-C-T.
Other names: c.-194G>A (NM_001142349.2); c.62-3818G>A (NM_001142348.2); short protein forms G46D.
Identifiers: ClinVar variation 3625476 (VCV003625476.2).